The following is an entry in ClinVar:

NM_000540.3(RYR1):c.917C>T (p.Ala306Val)

Gene: RYR1 (ryanodine receptor 1; plus strand). Cytogenetic location: 19q13.2.
Variant type: single nucleotide variant.
Coding change: c.917C>T on transcript NM_000540.3 (MANE Select); coding-DNA position 917, C replaced by T.
Protein change: p.Ala306Val; replaces alanine 306 with valine.
Molecular consequence: missense variant.
Genome position (GRCh38, 1-based): chr19:38,448,471, C>T. VCF-style: chr19-38448471-C-T. GRCh37 (hg19) VCF-style: chr19-38939111-C-T.
Other names: c.917C>T, p.Ala306Val (NM_001042723.2); short protein forms A306V.
Identifiers: ClinVar variation 4736364 (VCV004736364.1).

ClinVar aggregate classification (germline): Uncertain significance (1 of 4 stars; one submission).

Conditions:
RYR1-related disorder. Also called: RYR1-related condition; RYR1-related disorders. Identifiers: MedGen CN239331.

gnomAD v4.1: 6 of 1,614,020 alleles (0.00037%); highest among the groups gnomAD compares: Admixed American, 0.0067%; no homozygotes.

Submission:

Labcorp Genetics (formerly Invitae), Labcorp
Classification: Uncertain significance for RYR1-related disorder. Last evaluated: 2025-07-28. Review status: criteria provided, single submitter. Criteria: Invitae Variant Classification Sherloc (09022015). Collection method: clinical testing. Allele origin: germline.
Comment: This sequence change replaces alanine, which is neutral and non-polar, with valine, which is neutral and non-polar, at codon 306 of the RYR1 protein (p.Ala306Val). This variant is present in population databases (no rsID available, gnomAD 0.01%). This variant has not been reported in the literature in individuals affected with RYR1-related conditions. Invitae Evidence Modeling of protein sequence and biophysical properties (such as structural, functional, and spatial information, amino acid conservation, physicochemical variation, residue mobility, and thermodynamic stability) has been performed for this missense variant. However, the output from this modeling did not meet the statistical confidence thresholds required to predict the impact of this variant on RYR1 protein function. In summary, the available evidence is currently insufficient to determine the role of this variant in disease. Therefore, it has been classified as a Variant of Uncertain Significance.